The following is an entry in ClinVar:

ClinVar aggregate classification (germline): Likely benign. Review status: criteria provided, multiple submitters, no conflicts (2 of 4 stars). 2 submissions from 2 submitters: Likely benign (2). Last evaluated 2026-04-22.

Conditions:
Colorectal cancer, susceptibility to, 1. Also called: COLORECTAL ADENOMA AND CANCER, SUSCEPTIBILITY TO; COLORECTAL CANCER, SUSCEPTIBILITY TO, ON CHROMOSOME 9. Identifiers: MedGen C1837315, MONDO:0012132, OMIM 608812.

Submissions (2):

Myriad Genetics, Inc.
Classification: Likely benign for Colorectal cancer, susceptibility to, 1. Last evaluated: 2026-04-22. Review status: criteria provided, single submitter. Criteria: Myriad Autosomal Dominant, Autosomal Recessive and X-Linked Classification Criteria (2023). Collection method: clinical testing. Allele origin: unknown.
Comment: This variant is considered likely benign. This variant is intronic and is not expected to impact mRNA splicing.

Labcorp Genetics (formerly Invitae), Labcorp
Classification: Likely benign. Last evaluated: 2021-06-22. Review status: criteria provided, single submitter. Criteria: Invitae Variant Classification Sherloc (09022015). Collection method: clinical testing. Allele origin: germline.

NM_024642.5(GALNT12):c.1036-15T>C

Gene: GALNT12 (polypeptide N-acetylgalactosaminyltransferase 12; plus strand). Cytogenetic location: 9q22.33.
Variant type: single nucleotide variant.
Coding change: c.1036-15T>C on transcript NM_024642.5 (MANE Select); 15 bases into the intron before coding-DNA position 1036, T replaced by C.
Molecular consequence: intron variant.
Genome position (GRCh38, 1-based): chr9:98,836,957, T>C. VCF-style: chr9-98836957-T-C. GRCh37 (hg19) VCF-style: chr9-101599239-T-C.
Identifiers: ClinVar variation 1669439 (VCV001669439.9), dbSNP rs536050338, ClinGen allele CA196827450.
Genomic context (GRCh38, chr9:98,836,957, plus strand): 5'-TCTTTGCTGCAGATACTATGGACCCGCAGCTCATCCCCTGCTCACCACCTGGCCTCTCCT[T>C]TTCTCTGTGTGCAGATCTGGCAGTGTGGTGGGGTTCTGGAAACACACCCATGTTCCCATG-3'